The following is an entry in ClinVar:

ClinVar aggregate classification (germline): Pathogenic/Likely pathogenic. Review status: criteria provided, multiple submitters, no conflicts (2 of 4 stars). 2 submissions from 2 submitters: Pathogenic (1); Likely pathogenic (1). Last evaluated 2024-06-10.

Conditions:
Kabuki syndrome. Also called: NIIKAWA-KUROKI SYNDROME; Kabuki make-up syndrome. Identifiers: Orphanet 2322, MedGen C0796004, MONDO:0016512.

Submissions (2):

Labcorp Genetics (formerly Invitae), Labcorp
Classification: Pathogenic for Kabuki syndrome. Last evaluated: 2024-06-10. Review status: criteria provided, single submitter. Criteria: Invitae Variant Classification Sherloc (09022015). Collection method: clinical testing. Allele origin: germline.
Comment: This sequence change replaces histidine, which is basic and polar, with arginine, which is basic and polar, at codon 1453 of the KMT2D protein (p.His1453Arg). This variant is not present in population databases (gnomAD no frequency). This missense change has been observed in individual(s) with Kabuki syndrome (PMID: 21607748). Advanced modeling of protein sequence and biophysical properties (such as structural, functional, and spatial information, amino acid conservation, physicochemical variation, residue mobility, and thermodynamic stability) performed at Invitae indicates that this missense variant is expected to disrupt KMT2D protein function with a positive predictive value of 95%. This variant disrupts the p.His1453 amino acid residue in KMT2D. Other variant(s) that disrupt this residue have been determined to be pathogenic (Invitae). This suggests that this residue is clinically significant, and that variants that disrupt this residue are likely to be disease-causing. For these reasons, this variant has been classified as Pathogenic.

GeneDx
Classification: Likely pathogenic. Last evaluated: 2024-03-25. Review status: criteria provided, single submitter. Criteria: GeneDx Variant Classification Process June 2021. Collection method: clinical testing. Allele origin: germline. Affected: yes.
Comment: In silico analysis supports that this missense variant has a deleterious effect on protein structure/function; Not observed at significant frequency in large population cohorts (gnomAD); This variant is associated with the following publications: (PMID: 28884922, 30459467, 21607748)

Literature cited by the submitters: PubMed 21607748 (cited by Labcorp Genetics (formerly Invitae), Labcorp).

NM_003482.4(KMT2D):c.4358A>G (p.His1453Arg)

Gene: KMT2D (lysine methyltransferase 2D; minus strand). Cytogenetic location: 12q13.12.
Variant type: single nucleotide variant.
Coding change: c.4358A>G on transcript NM_003482.4 (MANE Select); coding-DNA position 4358, A replaced by G.
Protein change: p.His1453Arg; replaces histidine 1453 with arginine.
Molecular consequence: missense variant.
Genome position (GRCh38, 1-based): chr12:49,046,669, T>C on the plus strand (A>G on the coding strand, the complement: KMT2D is on the minus strand). VCF-style: chr12-49046669-T-C. GRCh37 (hg19) VCF-style: chr12-49440452-T-C.
Other names: short protein forms H1453R.
Identifiers: ClinVar variation 3342522 (VCV003342522.3).